The following is an entry in ClinVar:

NM_198545.4(DRAXIN):c.937+6T>A

Gene: DRAXIN (dorsal inhibitory axon guidance protein; plus strand). Cytogenetic location: 1p36.22.
Variant type: single nucleotide variant.
Coding change: c.937+6T>A on transcript NM_198545.4 (MANE Select); 6 bases into the intron after coding-DNA position 937, T replaced by A.
Molecular consequence: intron variant.
Genome position (GRCh38, 1-based): chr1:11,715,214, T>A. VCF-style: chr1-11715214-T-A. GRCh37 (hg19) VCF-style: chr1-11775271-T-A.
Other names: NC_000001.10:g.11775271T>A.
Identifiers: ClinVar variation 2638239 (VCV002638239.25), dbSNP rs112841098, ClinGen allele CA594234.
Genomic context (GRCh38, chr1:11,715,214, plus strand): 5'-CCCCACAACCGAGGCCTCAACAACAAATGCTTCGATGACTGCATGTGTGTGGAAGGTGGG[T>A]CCAGACTCCTTTGCGGGGGGCTACCCATGCTCTGAGAACCACAAAGCCTCCCTTTCTCGA-3'

ClinVar aggregate classification (germline): Likely benign (1 of 4 stars; one submission).

Allele frequency attached by ClinVar (database versions not stated): 1000 Genomes Project 30x 0.00156; TOPMed 0.00191; 1000 Genomes Project 0.00200; gnomAD 0.00363; ExAC 0.00482; ESP Exome Variant Server 0.00138.
gnomAD v4.1: 4,608 of 1,614,116 alleles (0.29%); highest among the groups gnomAD compares: Middle Eastern, 0.89%; 44 homozygotes.

Submissions (5):

CeGaT Center for Human Genetics Tuebingen
Classification: Likely benign. Last evaluated: 2023-03-01. Review status: criteria provided, single submitter. Criteria: CeGaT Center For Human Genetics Tuebingen Variant Classification Criteria Version 2. Collection method: clinical testing. Allele origin: germline. Affected: yes. Observed: 1 variant allele.
Comment: DRAXIN: BS2

Dr. Peter K. Rogan Lab, Western University
No classification provided (evidence only). Condition: Sarcoma. Review status: no classification provided. Collection method: in vitro. Allele origin: not applicable. Functional consequence: retained intron. Not counted in ClinVar's aggregate classification.

Dr. Peter K. Rogan Lab, Western University
No classification provided (evidence only). Condition: Ovarian serous cystadenocarcinoma. Review status: no classification provided. Collection method: in vitro. Allele origin: not applicable. Functional consequence: retained intron. Not counted in ClinVar's aggregate classification.

Dr. Peter K. Rogan Lab, Western University
No classification provided (evidence only). Condition: Ovarian serous cystadenocarcinoma. Review status: no classification provided. Collection method: in vitro. Allele origin: not applicable. Functional consequence: retained intron. Not counted in ClinVar's aggregate classification.

Dr. Peter K. Rogan Lab, Western University
No classification provided (evidence only). Condition: Malignant tumor of esophagus. Review status: no classification provided. Collection method: in vitro. Allele origin: not applicable. Functional consequence: retained intron. Not counted in ClinVar's aggregate classification.